The following is an entry in ClinVar:

NM_004360.5(CDH1):c.1259G>A (p.Gly420Asp)

Gene: CDH1 (cadherin 1; plus strand). Cytogenetic location: 16q22.1.
Variant type: single nucleotide variant.
Coding change: c.1259G>A on transcript NM_004360.5 (MANE Select); coding-DNA position 1259, G replaced by A.
Protein change: p.Gly420Asp; replaces glycine 420 with aspartic acid.
Molecular consequence: missense variant. On other transcripts: 5 prime UTR variant (2), intron variant (1).
Genome position (GRCh38, 1-based): chr16:68,813,434, G>A. VCF-style: chr16-68813434-G-A. GRCh37 (hg19) VCF-style: chr16-68847337-G-A.
Other names: c.1259G>A (LRG_301t1); c.-357G>A (NM_001317185.2); c.-561G>A (NM_001317186.2); c.1137+1171G>A (NM_001317184.2); short protein forms G420D.
Identifiers: ClinVar variation 239878 (VCV000239878.9), dbSNP rs878854677, ClinGen allele CA10583416.

ClinVar aggregate classification (germline): Conflicting classifications of pathogenicity. Review status: criteria provided, conflicting classifications (1 of 4 stars). 2 submissions from 2 submitters: Uncertain significance (1); Likely benign (1). Last evaluated 2022-11-10.

Conditions:
Hereditary cancer-predisposing syndrome. Also called: Neoplastic Syndromes, Hereditary; Tumor predisposition; Hereditary neoplastic syndrome; Hereditary Cancer Syndrome. Identifiers: Orphanet 140162, MedGen C0027672, MeSH D009386, MONDO:0015356.
Hereditary diffuse gastric adenocarcinoma (HDGC). Also called: DIFFUSE GASTRIC AND LOBULAR BREAST CANCER SYNDROME. Identifiers: Orphanet 26106, MedGen C1708349, MONDO:0007648, OMIM 137215.

Allele frequency attached by ClinVar (database versions not stated): gnomAD exomes below 0.00001.

Submissions (2):

Labcorp Genetics (formerly Invitae), Labcorp
Classification: Uncertain significance for Hereditary diffuse gastric adenocarcinoma. Last evaluated: 2022-11-10. Review status: criteria provided, single submitter. Criteria: Invitae Variant Classification Sherloc (09022015). Collection method: clinical testing. Allele origin: germline.
Comment: This sequence change replaces glycine, which is neutral and non-polar, with aspartic acid, which is acidic and polar, at codon 420 of the CDH1 protein (p.Gly420Asp). This variant is present in population databases (no rsID available, gnomAD 0.0009%). This variant has not been reported in the literature in individuals affected with CDH1-related conditions. ClinVar contains an entry for this variant (Variation ID: 239878). Algorithms developed to predict the effect of missense changes on protein structure and function output the following: SIFT: "Tolerated"; PolyPhen-2: "Benign"; Align-GVGD: "Class C0". The aspartic acid amino acid residue is found in multiple mammalian species, which suggests that this missense change does not adversely affect protein function. In summary, the available evidence is currently insufficient to determine the role of this variant in disease. Therefore, it has been classified as a Variant of Uncertain Significance.

Ambry Genetics
Classification: Likely benign for Hereditary cancer-predisposing syndrome. Last evaluated: 2021-04-13. Review status: criteria provided, single submitter. Criteria: Ambry Variant Classification Scheme 2023. Collection method: clinical testing. Allele origin: germline.